The following is an entry in ClinVar:

ClinVar aggregate classification (germline): Benign/Likely benign. Review status: criteria provided, multiple submitters, no conflicts (2 of 4 stars). 7 submissions from 7 submitters: Benign (1); Likely benign (3). 3 of the submissions do not count toward it. Last evaluated 2026-08-01.

Conditions:
Autism spectrum disorder due to AUTS2 deficiency (MRD26). Also called: INTELLECTUAL DEVELOPMENTAL DISORDER, AUTOSOMAL DOMINANT 26. Identifiers: Orphanet 352490, MedGen C4014435, MONDO:0014361, OMIM 615834.
AUTS2-related disorder. Also called: AUTS2-related condition.

Submissions (7):

CeGaT Center for Human Genetics Tuebingen
Classification: Likely benign. Last evaluated: 2026-08-01. Review status: criteria provided, single submitter. Criteria: CeGaT Center For Human Genetics Tuebingen Variant Classification Criteria Version 2. Collection method: clinical testing. Allele origin: germline. Affected: yes. Observed: 1 variant allele.
Comment: AUTS2: BS1

Labcorp Genetics (formerly Invitae), Labcorp
Classification: Likely benign. Last evaluated: 2026-02-03. Review status: criteria provided, single submitter. Criteria: Invitae Variant Classification Sherloc (09022015). Collection method: clinical testing. Allele origin: germline.

Fulgent Genetics
Classification: Likely benign for Autism spectrum disorder due to AUTS2 deficiency. Last evaluated: 2021-08-06. Review status: criteria provided, single submitter. Criteria: ACMG Guidelines, 2015. Collection method: clinical testing. Allele origin: unknown.

GeneDx
Classification: Benign. Last evaluated: 2020-08-10. Review status: criteria provided, single submitter. Criteria: GeneDx Variant Classification Process June 2021. Collection method: clinical testing. Allele origin: germline. Affected: yes.

PreventionGenetics, part of Exact Sciences
Classification: Benign for AUTS2-related condition. Last evaluated: 2021-06-17. Review status: no assertion criteria provided. Collection method: clinical testing. Allele origin: germline. Not counted in ClinVar's aggregate classification.
Comment: This variant is classified as benign based on ACMG/AMP sequence variant interpretation guidelines (Richards et al. 2015 PMID: 25741868, with internal and published modifications).

Clinical Genetics DNA and cytogenetics Diagnostics Lab, Erasmus MC, Erasmus Medical Center
Classification: Likely benign. Review status: no assertion criteria provided. Collection method: clinical testing. Allele origin: germline. Affected: yes. Study: VKGL Data-share Consensus. Not counted in ClinVar's aggregate classification.

Diagnostic Laboratory, Department of Genetics, University Medical Center Groningen
Classification: Likely benign. Review status: no assertion criteria provided. Collection method: clinical testing. Allele origin: germline. Affected: yes. Study: VKGL Data-share Consensus. Not counted in ClinVar's aggregate classification.

NM_015570.4(AUTS2):c.3377ACC[7] (p.His1133del)

Gene: AUTS2 (activator of transcription and developmental regulator AUTS2; plus strand). Cytogenetic location: 7q11.22.
Variant type: Microsatellite.
Coding change: c.3377ACC[7] on transcript NM_015570.4 (MANE Select); seven copies in a row of the 3-base unit ACC starting at c.3377; the reference has eight copies in a row; one copy, 3 bases deleted.
Protein change: p.His1133del; deletes histidine 1133.
Molecular consequence: inframe deletion.
Genome position (GRCh38, 1-based): chr7:70,790,614-70,790,616, ACC deleted; deleting any 3 consecutive bases within chr7:70,790,591-70,790,616 gives the same sequence; the position shown is the placement nearest the transcript's 3' end. VCF-style (leftmost placement, unchanged base first): chr7-70790590-GCCA-G. GRCh37 (hg19) VCF-style: chr7-70255576-GCCA-G.
Other names: c.3398_3400delACC (NM_015570.3); c.3305ACC[7], p.His1109del (NM_001127231.3); short protein forms H1109del, H1133del.
Identifiers: ClinVar variation 1174872 (VCV001174872.17), dbSNP rs538005366, ClinGen allele CA4281315.